The following is an entry in ClinVar:

NM_005260.7(GDF9):c.421C>T (p.Leu141=)

Gene: GDF9 (growth differentiation factor 9; minus strand). Cytogenetic location: 5q31.1.
Variant type: single nucleotide variant.
Coding change: c.421C>T on transcript NM_005260.7 (MANE Select); coding-DNA position 421, C replaced by T.
Protein change: p.Leu141=; no amino-acid change (leucine 141 retained).
Molecular consequence: synonymous variant.
Genome position (GRCh38, 1-based): chr5:132,862,533, G>A on the plus strand (C>T on the coding strand, the complement: GDF9 is on the minus strand). VCF-style: chr5-132862533-G-A. GRCh37 (hg19) VCF-style: chr5-132198225-G-A.
Other names: c.157C>T, p.Leu53= (NM_001288824.4, NM_001288825.4, NM_001288826.3 and 2 more transcripts).
Identifiers: ClinVar variation 2655699 (VCV002655699.24), dbSNP rs1759341693, ClinGen allele CA446370004.
Genomic context (GRCh38, chr5:132,862,533, plus strand): 5'-TGTACAGCAAGACTGACTTGAGTAAGTGTTCAACGGTAGTAATGCGATCCAGGTTAAATA[G>A]CAGTTCCACTGATGGAAGGATTCCTAAGAAGAAAAAAAATCTACCAGTAGTGCTTGAAAA-3'
Protein context (NP_005251.1, residues 131-151): VTGILPSVEL[Leu141=]FNLDRITTVE

ClinVar aggregate classification (germline): Uncertain significance (1 of 4 stars; one submission).

Allele frequency attached by ClinVar (database versions not stated): gnomAD exomes below 0.00001.

Submission:

CeGaT Center for Human Genetics Tuebingen
Classification: Uncertain significance. Last evaluated: 2023-10-01. Review status: criteria provided, single submitter. Criteria: CeGaT Center For Human Genetics Tuebingen Variant Classification Criteria Version 2. Collection method: clinical testing. Allele origin: germline. Affected: yes. Observed: 1 variant allele.
Comment: GDF9: PM2, BP4